The following is an entry in ClinVar:

ClinVar aggregate classification (germline): Uncertain significance (1 of 4 stars; one submission).

Allele frequency attached by ClinVar (database versions not stated): TOPMed 0.00001.

Submission:

Ambry Genetics
Classification: Uncertain significance. Last evaluated: 2024-01-07. Review status: criteria provided, single submitter. Criteria: Ambry Variant Classification Scheme 2023. Collection method: clinical testing. Allele origin: germline.
Comment: The p.K2559N variant (also known as c.7677G>T), located in coding exon 30 of the POLQ gene, results from a G to T substitution at nucleotide position 7677. The lysine at codon 2559 is replaced by asparagine, an amino acid with similar properties. This amino acid position is conserved. In addition, the in silico prediction for this alteration is inconclusive. Since supporting evidence is limited at this time, the clinical significance of this alteration remains unclear.

NM_199420.4(POLQ):c.7677G>T (p.Lys2559Asn)

Gene: POLQ (DNA polymerase theta; minus strand). Cytogenetic location: 3q13.33.
Variant type: single nucleotide variant.
Coding change: c.7677G>T on transcript NM_199420.4 (MANE Select); coding-DNA position 7677, G replaced by T.
Protein change: p.Lys2559Asn; replaces lysine 2559 with asparagine.
Molecular consequence: missense variant.
Genome position (GRCh38, 1-based): chr3:121,432,400, C>A on the plus strand (G>T on the coding strand, the complement: POLQ is on the minus strand). VCF-style: chr3-121432400-C-A. GRCh37 (hg19) VCF-style: chr3-121151247-C-A.
Other names: short protein forms K2559N.
Identifiers: ClinVar variation 3230170 (VCV003230170.1), dbSNP rs2047501939, ClinGen allele CA354093202.